The following is an entry in ClinVar:

ClinVar aggregate classification (germline): Uncertain significance (1 of 4 stars; one submission).

Allele frequency attached by ClinVar (database versions not stated): TOPMed 0.00002; ExAC 0.00003; gnomAD 0.00003; gnomAD exomes 0.00003.
gnomAD v4.1: 50 of 1,613,432 alleles (0.0031%); highest among the groups gnomAD compares: Non-Finnish European, 0.0042%; no homozygotes.

Submission:

Labcorp Genetics (formerly Invitae), Labcorp
Classification: Uncertain significance. Last evaluated: 2022-10-18. Review status: criteria provided, single submitter. Criteria: Invitae Variant Classification Sherloc (09022015). Collection method: clinical testing. Allele origin: germline.
Comment: This sequence change replaces glutamine, which is neutral and polar, with histidine, which is basic and polar, at codon 32 of the CEP152 protein (p.Gln32His). This variant is present in population databases (rs745473367, gnomAD 0.006%). This variant has not been reported in the literature in individuals affected with CEP152-related conditions. Advanced modeling of protein sequence and biophysical properties (such as structural, functional, and spatial information, amino acid conservation, physicochemical variation, residue mobility, and thermodynamic stability) has been performed at Invitae for this missense variant, however the output from this modeling did not meet the statistical confidence thresholds required to predict the impact of this variant on CEP152 protein function. Algorithms developed to predict the effect of sequence changes on RNA splicing suggest that this variant may create or strengthen a splice site. In summary, the available evidence is currently insufficient to determine the role of this variant in disease. Therefore, it has been classified as a Variant of Uncertain Significance.

NM_001194998.2(CEP152):c.96G>C (p.Gln32His)

Gene: CEP152 (centrosomal protein 152; minus strand). Cytogenetic location: 15q21.1.
Variant type: single nucleotide variant.
Coding change: c.96G>C on transcript NM_001194998.2 (MANE Select); coding-DNA position 96, G replaced by C.
Protein change: p.Gln32His; replaces glutamine 32 with histidine.
Molecular consequence: missense variant.
Genome position (GRCh38, 1-based): chr15:48,798,043, C>G on the plus strand (G>C on the coding strand, the complement: CEP152 is on the minus strand). VCF-style: chr15-48798043-C-G. GRCh37 (hg19) VCF-style: chr15-49090240-C-G.
Other names: c.96G>C, p.Gln32His (NM_014985.4); short protein forms Q32H.
Identifiers: ClinVar variation 2203428 (VCV002203428.1), dbSNP rs745473367, ClinGen allele CA7549217.